The following is an entry in ClinVar:

NM_022124.6(CDH23):c.6499A>C (p.Ile2167Leu)

Gene: CDH23 (cadherin related 23; plus strand). Cytogenetic location: 10q22.1.
Variant type: single nucleotide variant.
Coding change: c.6499A>C on transcript NM_022124.6 (MANE Select); coding-DNA position 6499, A replaced by C.
Protein change: p.Ile2167Leu; replaces isoleucine 2167 with leucine.
Molecular consequence: missense variant.
Genome position (GRCh38, 1-based): chr10:71,793,427, A>C. VCF-style: chr10-71793427-A-C. GRCh37 (hg19) VCF-style: chr10-73553184-A-C.
Other names: short protein forms I2167L.
Identifiers: ClinVar variation 1939908 (VCV001939908.5), dbSNP rs1267165396, ClinGen allele CA377155194.

ClinVar aggregate classification (germline): Uncertain significance (1 of 4 stars; one submission).

gnomAD v4.1: 1 of 1,614,032 alleles (0.000062%); highest among the groups gnomAD compares: Non-Finnish European, 0.000085%; no homozygotes.

Submission:

Labcorp Genetics (formerly Invitae), Labcorp
Classification: Uncertain significance. Last evaluated: 2022-08-23. Review status: criteria provided, single submitter. Criteria: Invitae Variant Classification Sherloc (09022015). Collection method: clinical testing. Allele origin: germline.
Comment: This variant has not been reported in the literature in individuals affected with CDH23-related conditions. Algorithms developed to predict the effect of missense changes on protein structure and function are either unavailable or do not agree on the potential impact of this missense change (SIFT: "Deleterious"; PolyPhen-2: "Not Available"; Align-GVGD: "Class C0"). In summary, the available evidence is currently insufficient to determine the role of this variant in disease. Therefore, it has been classified as a Variant of Uncertain Significance. This variant is not present in population databases (gnomAD no frequency). This sequence change replaces isoleucine, which is neutral and non-polar, with leucine, which is neutral and non-polar, at codon 2167 of the CDH23 protein (p.Ile2167Leu).